The following is an entry in ClinVar:

NM_004522.3(KIF5C):c.590-56A>T

Gene: KIF5C (kinesin family member 5C; plus strand). Cytogenetic location: 2q23.1.
Variant type: single nucleotide variant.
Coding change: c.590-56A>T on transcript NM_004522.3 (MANE Select); 56 bases into the intron before coding-DNA position 590, A replaced by T.
Molecular consequence: intron variant.
Genome position (GRCh38, 1-based): chr2:148,946,843, A>T. VCF-style: chr2-148946843-A-T. GRCh37 (hg19) VCF-style: chr2-149803357-A-T.
Identifiers: ClinVar variation 682895 (VCV000682895.2), dbSNP rs73962006, ClinGen allele CA15158552.

ClinVar aggregate classification (germline): Benign. Review status: criteria provided, multiple submitters, no conflicts (2 of 4 stars). 2 submissions from 2 submitters: Benign (2). Last evaluated 2018-06-19.

Allele frequency attached by ClinVar (database versions not stated): gnomAD exomes 0.08932; gnomAD 0.14603 and 0.15064; 1000 Genomes Project 0.14936; 1000 Genomes Project 30x 0.15334; TOPMed 0.15766.
gnomAD v4.1: 152,092 of 1,591,344 alleles (9.6%); highest among the groups gnomAD compares: African/African-American, 30%; 9,727 homozygotes.

Submissions (2):

GeneDx
Classification: Benign. Last evaluated: 2018-06-19. Review status: criteria provided, single submitter. Criteria: GeneDx Variant Classification (06012015). Collection method: clinical testing. Allele origin: germline. Affected: yes.
Comment: This variant is considered likely benign or benign based on one or more of the following criteria: it is a conservative change, it occurs at a poorly conserved position in the protein, it is predicted to be benign by multiple in silico algorithms, and/or has population frequency not consistent with disease.

Breakthrough Genomics
Classification: Benign. Review status: criteria provided, single submitter. Criteria: ACMG Guidelines, 2015. Collection method: not provided. Allele origin: germline. Inheritance: Autosomal dominant inheritance. Affected: yes.